The following is an entry in ClinVar:

NM_022436.3(ABCG5):c.265+10G>A

Gene: ABCG5 (ATP binding cassette subfamily G member 5; minus strand). Cytogenetic location: 2p21.
Variant type: single nucleotide variant.
Coding change: c.265+10G>A on transcript NM_022436.3 (MANE Select); 10 bases into the intron after coding-DNA position 265, G replaced by A.
Molecular consequence: intron variant.
Genome position (GRCh38, 1-based): chr2:43,837,824, C>T on the plus strand (G>A on the coding strand, the complement: ABCG5 is on the minus strand). VCF-style: chr2-43837824-C-T. GRCh37 (hg19) VCF-style: chr2-44064963-C-T.
Other names: p.?.
Identifiers: ClinVar variation 288092 (VCV000288092.15), dbSNP rs140341571, ClinGen allele CA1636732.
Genomic context (GRCh38, chr2:43,837,824, plus strand): 5'-TAATCTGTTTCTTCAATGTGGAGTTTAACTCAAGCCAAATCCTTTTTAGAATCCTCCTTC[C>T]CAAGCTTACCTGAGCTTCCTAGGATGCACATGATCTGCCCGCTCTCCACGTACAAGGAGA-3'

ClinVar aggregate classification (germline): Conflicting classifications of pathogenicity. Review status: criteria provided, conflicting classifications (1 of 4 stars). 4 submissions from 4 submitters: Uncertain significance (1); Likely benign (3). Last evaluated 2025-12-29.

Conditions:
Sitosterolemia (STSL). Also called: PHYTOSTEROLEMIA. Identifiers: Orphanet 2882, MedGen C0342907, MONDO:0008863.

Allele frequency attached by ClinVar (database versions not stated): gnomAD exomes 0.00010; ExAC 0.00013; gnomAD 0.00029; ESP Exome Variant Server 0.00038; TOPMed 0.00041; 1000 Genomes Project 0.00120; 1000 Genomes Project 30x 0.00125.
gnomAD v4.1: 123 of 1,613,780 alleles (0.0076%); highest among the groups gnomAD compares: African/African-American, 0.12%; 1 homozygote.

Submissions (4):

Labcorp Genetics (formerly Invitae), Labcorp
Classification: Likely benign for Sitosterolemia. Last evaluated: 2025-12-29. Review status: criteria provided, single submitter. Criteria: Invitae Variant Classification Sherloc (09022015). Collection method: clinical testing. Allele origin: germline.

Mayo Clinic Laboratories, Mayo Clinic
Classification: Likely benign. Last evaluated: 2025-08-15. Review status: criteria provided, single submitter. Criteria: ACMG Guidelines, 2015. Collection method: clinical testing. Allele origin: germline. Observed: 2 variant alleles.
Comment: BP4, BP7

Blueprint Genetics
Classification: Likely benign. Last evaluated: 2024-11-26. Review status: criteria provided, single submitter. Criteria: ACMG Guidelines, 2015. Collection method: clinical testing. Allele origin: germline.

Eurofins Ntd Llc (ga)
Classification: Uncertain significance. Last evaluated: 2018-08-03. Review status: criteria provided, single submitter. Criteria: EGL ClinVar v180209 classification definitions. Collection method: clinical testing. Allele origin: germline. Observed: 3 variant alleles, 3 heterozygotes.